The following is an entry in ClinVar:

NM_177438.3(DICER1):c.5603+7A>C

Gene: DICER1 (dicer 1, ribonuclease III; minus strand). Cytogenetic location: 14q32.13.
Variant type: single nucleotide variant.
Coding change: c.5603+7A>C on transcript NM_177438.3 (MANE Select); 7 bases into the intron after coding-DNA position 5603, A replaced by C.
Molecular consequence: intron variant.
Genome position (GRCh38, 1-based): chr14:95,091,027, T>G on the plus strand (A>C on the coding strand, the complement: DICER1 is on the minus strand). VCF-style: chr14-95091027-T-G. GRCh37 (hg19) VCF-style: chr14-95557364-T-G.
Other names: c.5603+7A>C (NM_001291628.2, NM_030621.4, NM_001395677.1 and 7 more transcripts); c.5198+7A>C (NM_001395690.1, NM_001395687.1, NM_001395689.1 and 1 more transcripts); c.5321+7A>C (NM_001395686.1); c.5036+7A>C (NM_001395691.1); c.3920+7A>C (NM_001395697.1); c.5440+7A>C (NM_001195573.1).
Identifiers: ClinVar variation 2028069 (VCV002028069.5), dbSNP rs1889758034, ClinGen allele CA2156301718.

ClinVar aggregate classification (germline): Likely benign. Review status: criteria provided, multiple submitters, no conflicts (2 of 4 stars). 2 submissions from 2 submitters: Likely benign (2). Last evaluated 2026-04-14.

Conditions:
DICER1-related tumor predisposition. Also called: DICER1 syndrome; DICER1-related pleuropulmonary blastoma cancer predisposition syndrome. Identifiers: Orphanet 284343, MedGen C3839822, MONDO:0100216.

Allele frequency attached by ClinVar (database versions not stated): TOPMed below 0.00001.

Submissions (2):

Myriad Genetics, Inc.
Classification: Likely benign for DICER1-related tumor predisposition. Last evaluated: 2026-04-14. Review status: criteria provided, single submitter. Criteria: Myriad Autosomal Dominant, Autosomal Recessive and X-Linked Classification Criteria (2023). Collection method: clinical testing. Allele origin: unknown.
Comment: This variant is considered likely benign. This variant is intronic and is not expected to impact mRNA splicing.

Labcorp Genetics (formerly Invitae), Labcorp
Classification: Likely benign for DICER1-related tumor predisposition. Last evaluated: 2025-09-24. Review status: criteria provided, single submitter. Criteria: Invitae Variant Classification Sherloc (09022015). Collection method: clinical testing. Allele origin: germline.